The following is an entry in ClinVar:

ClinVar aggregate classification (germline): Pathogenic/Likely pathogenic. Review status: criteria provided, multiple submitters, no conflicts (2 of 4 stars). 2 submissions from 2 submitters: Pathogenic (1); Likely pathogenic (1). Last evaluated 2023-05-20.

Conditions:
Gilbert syndrome. Also called: Gilbert Disease; Gilbert's syndrome; HYPERBILIRUBINEMIA I; HYPERBILIRUBINEMIA, ARIAS TYPE; HYPERBILIRUBINEMIA, GILBERT TYPE. Identifiers: MedGen C0017551, MONDO:0007745, OMIM 143500.

Allele frequency attached by ClinVar (database versions not stated): gnomAD exomes below 0.00001.
gnomAD v4.1: 1 of 1,613,516 alleles (0.000062%); highest among the groups gnomAD compares: South Asian, 0.0011%; no homozygotes.

Submissions (2):

Neuberg Centre For Genomic Medicine, NCGM
Classification: Likely pathogenic for Gilbert syndrome. Last evaluated: 2023-05-20. Review status: criteria provided, single submitter. Criteria: ACMG Guidelines, 2015. Collection method: clinical testing. Allele origin: germline. Inheritance: Autosomal recessive inheritance. Affected: yes.
Comment: The missense variant c.530G>A(p.Cys177Tyr) in UGTA1A1 gene has been submitted to the ClinVar database as pathogenic but no details are available for independent assessment. The observed variant has allele frequency of 0.0004% in gnomAD exomes database. Multiple lines of computational evidence (Polyphen - probably damaging , SIFT - damaging and MutationTaster - disease causing) predict a damaging effect on protein structure and function for this variant. The amino acid change p.Cys177Tyr in UGT1A1 is predicted as conserved by GERP++ and PhyloP across 100 vertebrates. The amino acid Cys at position 177 is changed to a Tyr changing protein sequence and it might alter its composition and physico-chemical properties. For these reasons, this variant has been classified as Variant of Uncertain Significance (VUS)

Genetic Services Laboratory, University of Chicago
Classification: Pathogenic. Last evaluated: 2018-11-29. Review status: criteria provided, single submitter. Criteria: ACMG Guidelines, 2015. Collection method: clinical testing. Allele origin: germline. Affected: yes.

NM_000463.3(UGT1A1):c.530G>A (p.Cys177Tyr)

Genes: UGT1A1 (UDP glucuronosyltransferase family 1 member A1; plus strand), UGT1A10 (UDP glucuronosyltransferase family 1 member A10; plus strand), UGT1A3 (UDP glucuronosyltransferase family 1 member A3; plus strand), UGT1A4 (UDP glucuronosyltransferase family 1 member A4; plus strand), UGT1A5 (UDP glucuronosyltransferase family 1 member A5; plus strand) and 5 more. Cytogenetic location: 2q37.1.
Variant type: single nucleotide variant.
Coding change: c.530G>A on transcript NM_000463.3 (MANE Select); coding-DNA position 530, G replaced by A.
Protein change: p.Cys177Tyr; replaces cysteine 177 with tyrosine.
Molecular consequence: missense variant. On other transcripts: intron variant (9).
Genome position (GRCh38, 1-based): chr2:233,760,817, G>A. VCF-style: chr2-233760817-G-A. GRCh37 (hg19) VCF-style: chr2-234669463-G-A.
Other names: c.856-6217G>A (NM_019076.5, NM_019075.4, NM_021027.3 and 1 more transcripts); c.61-6217G>A (NM_205862.3); c.862-6217G>A (NM_001072.4); c.868-6217G>A (NM_019078.2, NM_007120.3, NM_019093.4); short protein forms C177Y.
Identifiers: ClinVar variation 1338467 (VCV001338467.5), dbSNP rs1373930486, ClinGen allele CA351066981.